The following is an entry in ClinVar:

NM_002458.3(MUC5B):c.16137-7C>T

Genes: MIR6744 (microRNA 6744; plus strand), MUC5B (mucin 5B, oligomeric mucus/gel-forming; plus strand). Cytogenetic location: 11p15.5.
Variant type: single nucleotide variant.
Coding change: c.16137-7C>T on transcript NM_002458.3 (MANE Select); 7 bases into the intron before coding-DNA position 16137, C replaced by T.
Molecular consequence: intron variant. On other transcripts: non-coding transcript variant (1).
Genome position (GRCh38, 1-based): chr11:1,256,664, C>T. VCF-style: chr11-1256664-C-T. GRCh37 (hg19) VCF-style: chr11-1277894-C-T.
Identifiers: ClinVar variation 164008 (VCV000164008.5), dbSNP rs56310773, ClinGen allele CA176777.

ClinVar aggregate classification (germline): Benign. Review status: criteria provided, multiple submitters, no conflicts (2 of 4 stars). 2 submissions from 2 submitters: Benign (2). Last evaluated 2013-02-21.

Allele frequency attached by ClinVar (database versions not stated): 1000 Genomes Project 0.01478; TOPMed 0.01979; ESP Exome Variant Server 0.02576; 1000 Genomes Project 30x 0.01437; gnomAD 0.02602 and 0.02514; gnomAD exomes 0.03023 and 0.02526; ExAC 0.04232.
gnomAD v4.1: 46,024 of 1,555,898 alleles (3%); highest among the groups gnomAD compares: Non-Finnish European, 3.2%; 859 homozygotes.

Submissions (2):

Laboratory for Molecular Medicine, Mass General Brigham Personalized Medicine
Classification: Benign. Last evaluated: 2013-02-21. Review status: criteria provided, single submitter. Criteria: LMM Criteria. Collection method: clinical testing. Allele origin: germline. Observed: 6 variant alleles.
Comment: 16137-7C>T in intron 38 of MUC5B: This variant is not expected to have clinical significance because it has been identified in 3.0% (252/8296) of European Ameri can chromosomes from a broad population by the NHLBI Exome Sequencing Project (dbSNP rs56310773).

Breakthrough Genomics
Classification: Benign. Review status: criteria provided, single submitter. Criteria: ACMG Guidelines, 2015. Collection method: not provided. Allele origin: germline. Inheritance: Autosomal dominant inheritance. Affected: yes.